The following is an entry in ClinVar:

ClinVar aggregate classification (germline): Likely pathogenic. Review status: reviewed by expert panel (3 of 4 stars). 2 submissions from 2 submitters: Likely pathogenic (1). 1 of the submissions does not count toward it. Last evaluated 2025-10-03.

Conditions:
Monogenic diabetes. Identifiers: Orphanet 183625, MedGen C3888631, MONDO:0015967.
Maturity-onset diabetes of the young type 3. Also called: MODY type 3; MODY, type III. Identifiers: Orphanet 552, MedGen C1838100, MeSH C563933, MONDO:0010894, OMIM 600496. Disease mechanism: loss of function.

Submissions (2):

ClinGen Monogenic Diabetes Variant Curation Expert Panel
Classification: Likely pathogenic for Monogenic diabetes. Last evaluated: 2025-10-03. Review status: reviewed by expert panel. Criteria: ClinGen Diabetes ACMG Specifications HNF1A V3.0.0. Collection method: curation. Allele origin: germline. Inheritance: Autosomal dominant inheritance.
Comment: The c.737T>G variant in the HNF1 homeobox A gene, HNF1A, causes an amino acid change of valine to glycine at codon 246 (p.(Val246Gly)) of NM_000545.8. This variant is located within a conserved region of the DNA binding domain (codons 107-174 and 201-280) of HNF1A, which is defined as critical for the protein’s function by the ClinGen MDEP (PM1_Supporting). This variant is predicted to be deleterious by computational evidence, with a REVEL score of 0.947, which is greater than the MDEP VCEP threshold of 0.70 (PP3). Another missense variant, c.736G>T (p.Val246Leu) has been interpreted as pathogenic by the ClinGen MDEP, and p.Val246Gly has a greater Grantham distance (PM5). This variant is absent from gnomAD v4.1.0 (PM2_Supporting). This variant was identified in two unrelated individuals with non-autoimmune and non-absolute/near-absolute insulin-deficient diabetes; however, PS4_Moderate cannot be applied because this number is below the ClinGen MDEP threshold (internal lab contributors). Functional studies demonstrated the p.Val246Gly protein has DNA binding below 40% of wild type, indicating that this variant impacts protein function (PS3_Supporting; PMID: 38093550). In summary, c.737T>G meets the criteria to be classified as likely pathogenic for monogenic diabetes. ACMG/AMP criteria applied, as specified by the ClinGen MDEP (specification version 3.0.0, approved 6/30/2025): PM5, PP3, PP4, PM1_Supporting, PM2_Supporting, PS3_Supporting.

Institute of Experimental Endocrinology, Slovak Academy of Sciences
Classification: Likely pathogenic for Maturity-onset diabetes of the young type 3. Last evaluated: 2021-04-16. Review status: criteria provided, single submitter. Criteria: ACMG Guidelines, 2015. Collection method: research. Allele origin: unknown. Inheritance: Autosomal dominant inheritance. Affected: yes. Observed: 1 heterozygote. Segregation with disease not observed. Not counted in ClinVar's aggregate classification.
Comment: Val246 is key amino acid position in DNA-binding domain (DBD) of HNF1 alpha protein. The varaint was not found in gnomAD. It was found in another case with diabetes (PMID: 18003757). In silico tools predict deleteriou effect (REVEL 0.95). Patient's phenotype was specific for HNF1A-MODY. Another variant at this position, Val246Leu, was described as pathogenic due to disrupted interaction of POUs and POUh subdomains of DBD (PMID: 32958621). Another substitution of this residue, Val246Asp, was described to disrupt HNF1 alpha binding and activity (PMID: 12453420).

Literature cited by the submitters: PubMed 38093550 (cited by ClinGen Monogenic Diabetes Variant Curation Expert Panel).

NM_000545.8(HNF1A):c.737T>G (p.Val246Gly)

Gene: HNF1A (HNF1 homeobox A; plus strand). Cytogenetic location: 12q24.31.
Variant type: single nucleotide variant.
Coding change: c.737T>G on transcript NM_000545.8 (MANE Select); coding-DNA position 737, T replaced by G.
Protein change: p.Val246Gly; replaces valine 246 with glycine.
Molecular consequence: missense variant.
Genome position (GRCh38, 1-based): chr12:120,994,187, T>G. VCF-style: chr12-120994187-T-G. GRCh37 (hg19) VCF-style: chr12-121431990-T-G.
Other names: NM_001306179.2:c.737T>G; c.737T>G, p.Val246Gly (NM_001306179.2); short protein forms V246G.
Identifiers: ClinVar variation 1173962 (VCV001173962.5), dbSNP rs2135841238, ClinGen allele CA386965868.